The following is an entry in ClinVar:

NM_001374385.1(ATP8B1):c.116_146del (p.Ala39fs)

Gene: ATP8B1 (ATPase phospholipid transporting 8B1; minus strand). Cytogenetic location: 18q21.31.
Variant type: Deletion.
Coding change: c.116_146del on transcript NM_001374385.1 (MANE Select); coding-DNA positions 116 to 146, 31 bases deleted.
Protein change: p.Ala39fs; shifts the reading frame from alanine 39.
Molecular consequence: frameshift variant.
Genome position (GRCh38, 1-based): chr18:57,731,662-57,731,692, 31 bases deleted; deleting any 31 consecutive bases within chr18:57,731,662-57,731,693 gives the same sequence; the c. name uses the placement nearest the transcript's 3' end. GRCh37 (hg19): chr18:55,398,895-55,398,925.
Other names: c.64_94del, p.Leu22fs (NM_001374386.1); c.116_146del, p.Ala39fs (NM_005603.6); short protein forms A39fs, L22fs.
Identifiers: ClinVar variation 2836173 (VCV002836173.3), dbSNP rs2511877565, ClinGen allele CA2739268778.

ClinVar aggregate classification (germline): Pathogenic (1 of 4 stars; one submission).

Submission:

Labcorp Genetics (formerly Invitae), Labcorp
Classification: Pathogenic. Last evaluated: 2023-11-01. Review status: criteria provided, single submitter. Criteria: Invitae Variant Classification Sherloc (09022015). Collection method: clinical testing. Allele origin: germline.
Comment: This sequence change creates a premature translational stop signal (p.Ala39Glyfs*32) in the ATP8B1 gene. It is expected to result in an absent or disrupted protein product. Loss-of-function variants in ATP8B1 are known to be pathogenic (PMID: 15239083, 22525741). This variant is not present in population databases (gnomAD no frequency). This variant has not been reported in the literature in individuals affected with ATP8B1-related conditions. For these reasons, this variant has been classified as Pathogenic.

Literature cited by the submitters: PubMed 15239083; PubMed 22525741.